The following is an entry in ClinVar:

NM_006662.3(SRCAP):c.1564G>A (p.Ala522Thr)

Gene: SRCAP (Snf2 related CREBBP activator protein; plus strand). Cytogenetic location: 16p11.2.
Variant type: single nucleotide variant.
Coding change: c.1564G>A on transcript NM_006662.3 (MANE Select); coding-DNA position 1564, G replaced by A.
Protein change: p.Ala522Thr; replaces alanine 522 with threonine.
Molecular consequence: missense variant.
Genome position (GRCh38, 1-based): chr16:30,711,906, G>A. VCF-style: chr16-30711906-G-A. GRCh37 (hg19) VCF-style: chr16-30723227-G-A.
Other names: short protein forms A522T.
Identifiers: ClinVar variation 2997381 (VCV002997381.3), dbSNP rs761698795, ClinGen allele CA395604512.

ClinVar aggregate classification (germline): Uncertain significance (1 of 4 stars; one submission).

Allele frequency attached by ClinVar (database versions not stated): TOPMed below 0.00001.
gnomAD v4.1: 1 of 1,613,774 alleles (0.000062%); no homozygotes.

Submission:

Labcorp Genetics (formerly Invitae), Labcorp
Classification: Uncertain significance. Last evaluated: 2023-08-19. Review status: criteria provided, single submitter. Criteria: Invitae Variant Classification Sherloc (09022015). Collection method: clinical testing. Allele origin: germline.
Comment: Advanced modeling of protein sequence and biophysical properties (such as structural, functional, and spatial information, amino acid conservation, physicochemical variation, residue mobility, and thermodynamic stability) performed at Invitae indicates that this missense variant is not expected to disrupt SRCAP protein function. This sequence change replaces alanine, which is neutral and non-polar, with threonine, which is neutral and polar, at codon 522 of the SRCAP protein (p.Ala522Thr). This variant is not present in population databases (gnomAD no frequency). This variant has not been reported in the literature in individuals affected with SRCAP-related conditions. In summary, the available evidence is currently insufficient to determine the role of this variant in disease. Therefore, it has been classified as a Variant of Uncertain Significance.